The following is an entry in ClinVar:

ClinVar aggregate classification (germline): Uncertain significance (1 of 4 stars; one submission).

Submission:

Labcorp Genetics (formerly Invitae), Labcorp
Classification: Uncertain significance. Last evaluated: 2023-03-23. Review status: criteria provided, single submitter. Criteria: Invitae Variant Classification Sherloc (09022015). Collection method: clinical testing. Allele origin: germline.
Comment: In summary, the available evidence is currently insufficient to determine the role of this variant in disease. Therefore, it has been classified as a Variant of Uncertain Significance. Advanced modeling of protein sequence and biophysical properties (such as structural, functional, and spatial information, amino acid conservation, physicochemical variation, residue mobility, and thermodynamic stability) performed at Invitae indicates that this missense variant is not expected to disrupt MAP3K20 protein function. ClinVar contains an entry for this variant (Variation ID: 1999301). This variant has not been reported in the literature in individuals affected with MAP3K20-related conditions. This variant is not present in population databases (gnomAD no frequency). This sequence change replaces isoleucine, which is neutral and non-polar, with phenylalanine, which is neutral and non-polar, at codon 550 of the MAP3K20 protein (p.Ile550Phe).

NM_016653.3(MAP3K20):c.1648A>T (p.Ile550Phe)

Genes: MAP3K20 (mitogen-activated protein kinase kinase kinase 20; plus strand), MAP3K20-AS1 (MAP3K20 antisense RNA 1; minus strand). Cytogenetic location: 2q31.1.
Variant type: single nucleotide variant.
Coding change: c.1648A>T on transcript NM_016653.3 (MANE Select); coding-DNA position 1648, A replaced by T.
Protein change: p.Ile550Phe; replaces isoleucine 550 with phenylalanine.
Molecular consequence: missense variant.
Genome position (GRCh38, 1-based): chr2:173,263,841, A>T. VCF-style: chr2-173263841-A-T. GRCh37 (hg19) VCF-style: chr2-174128569-A-T.
Other names: short protein forms I550F.
Identifiers: ClinVar variation 1999301 (VCV001999301.4), dbSNP rs1456609324, ClinGen allele CA349316828.
Genomic context (GRCh38, chr2:173,263,841, plus strand): 5'-CATTCGATTCAGTGGAGTAGAACAAAACCTCAGGATGAAGTGAAAGCAGTCCAACTTGCC[A>T]TTCAGACATTATTCACCAATTCAGATGGCAACCCTGGAAGCAGGTCCGACTCAAGTAAGT-3'
Protein context (NP_057737.2, residues 540-560): QDEVKAVQLA[Ile550Phe]QTLFTNSDGN